The following is an entry in ClinVar:

NM_032620.4(GTPBP3):c.886G>T (p.Gly296Ter)

Gene: GTPBP3 (GTP binding protein 3, mitochondrial; plus strand). Cytogenetic location: 19p13.11.
Variant type: single nucleotide variant.
Coding change: c.886G>T on transcript NM_032620.4 (MANE Select); coding-DNA position 886, G replaced by T.
Protein change: p.Gly296Ter; replaces glycine 296 with a stop codon.
Molecular consequence: nonsense.
Genome position (GRCh38, 1-based): chr19:17,339,511, G>T. VCF-style: chr19-17339511-G-T. GRCh37 (hg19) VCF-style: chr19-17450320-G-T.
Other names: c.886G>T, p.Gly296Ter (NM_001128855.3); c.952G>T, p.Gly318Ter (NM_001195422.1); c.982G>T, p.Gly328Ter (NM_133644.4); short protein forms G296*, G318*, G328*.
Identifiers: ClinVar variation 2811345 (VCV002811345.3), dbSNP rs1261495861, ClinGen allele CA404737490.

ClinVar aggregate classification (germline): Pathogenic (1 of 4 stars; one submission).

Submission:

Labcorp Genetics (formerly Invitae), Labcorp
Classification: Pathogenic. Last evaluated: 2022-11-01. Review status: criteria provided, single submitter. Criteria: Invitae Variant Classification Sherloc (09022015). Collection method: clinical testing. Allele origin: germline.
Comment: For these reasons, this variant has been classified as Pathogenic. This variant has not been reported in the literature in individuals affected with GTPBP3-related conditions. This variant is not present in population databases (gnomAD no frequency). This sequence change creates a premature translational stop signal (p.Gly328*) in the GTPBP3 gene. It is expected to result in an absent or disrupted protein product. Loss-of-function variants in GTPBP3 are known to be pathogenic (PMID: 25434004).

Literature cited by the submitters: PubMed 25434004.